The following is an entry in ClinVar:

NM_005956.4(MTHFD1):c.1493A>C (p.Lys498Thr)

Gene: MTHFD1 (methylenetetrahydrofolate dehydrogenase, cyclohydrolase and formyltetrahydrofolate synthetase 1; plus strand). Cytogenetic location: 14q23.3.
Variant type: single nucleotide variant.
Coding change: c.1493A>C on transcript NM_005956.4 (MANE Select); coding-DNA position 1493, A replaced by C.
Protein change: p.Lys498Thr; replaces lysine 498 with threonine.
Molecular consequence: missense variant.
Genome position (GRCh38, 1-based): chr14:64,431,860, A>C. VCF-style: chr14-64431860-A-C. GRCh37 (hg19) VCF-style: chr14-64898578-A-C.
Other names: c.1493A>C, p.Lys498Thr (LRG_1243t1, NM_001364837.1); short protein forms K498T.
Identifiers: ClinVar variation 218676 (VCV000218676.2), dbSNP rs864309594, ClinGen allele CA249061.
Genomic context (GRCh38, chr14:64,431,860, plus strand): 5'-GTTTGGTGCCATCAGTAAATGGAGTGAGAAGGTTCTCTGACATCCAAATCCGAAGGTTAA[A>C]GGTAAGCTTTTTTTCTTCCACATTTTTTATATTGTATGGAATCTGGAATCTGATCATTGA-3'
Protein context (NP_005947.3, residues 488-508): RFSDIQIRRL[Lys498Thr]RLGIEKTDPT

ClinVar aggregate classification (germline): Uncertain significance. Review status: criteria provided, multiple submitters, no conflicts (2 of 4 stars). 2 submissions from 2 submitters: Uncertain significance (2). Last evaluated 2019-12-06.

Conditions:
Combined immunodeficiency and megaloblastic anemia with or without hyperhomocysteinemia. Also called: METHYLENETETRAHYDROFOLATE DEHYDROGENASE 1 DEFICIENCY; COMBINED IMMUNODEFICIENCY AND MEGALOBLASTIC ANEMIA. Identifiers: Orphanet 658813, MedGen C4540434, MONDO:0060611, OMIM 617780.

Allele frequency attached by ClinVar (database versions not stated): gnomAD exomes below 0.00001.
gnomAD v4.1: 1 of 1,613,720 alleles (0.000062%); highest among the groups gnomAD compares: Non-Finnish European, 0.000085%; no homozygotes.

Submissions (2):

Baylor Genetics
Classification: Uncertain significance for Combined immunodeficiency and megaloblastic anemia with or without hyperhomocysteinemia. Last evaluated: 2019-12-06. Review status: criteria provided, single submitter. Criteria: ACMG Guidelines, 2015. Collection method: clinical testing. Allele origin: unknown. Affected: yes.
Comment: This variant was determined to be of uncertain significance according to ACMG Guidelines, 2015 [PMID:25741868].

Genomic Diagnostic Laboratory, Division of Genomic Diagnostics, Children's Hospital of Philadelphia
Classification: Uncertain significance. Last evaluated: 2014-12-31. Review status: criteria provided, single submitter. Criteria: DGD Variant Analysis Guidelines. Collection method: clinical testing. Allele origin: unknown.